The following is an entry in ClinVar:

ClinVar aggregate classification (germline): Uncertain significance (1 of 4 stars; one submission).

Conditions:
Amyotrophic lateral sclerosis type 21. Also called: VOCAL CORD AND PHARYNGEAL DYSFUNCTION WITH DISTAL MYOPATHY; MYOPATHY, DISTAL, 2. Identifiers: Orphanet 600, Orphanet 803, MedGen C3807521, MONDO:0011632, OMIM 606070.

gnomAD v4.1: 1 of 1,614,084 alleles (0.000062%); highest among the groups gnomAD compares: Non-Finnish European, 0.000085%; no homozygotes.

Submission:

Labcorp Genetics (formerly Invitae), Labcorp
Classification: Uncertain significance for Amyotrophic lateral sclerosis type 21. Last evaluated: 2022-07-18. Review status: criteria provided, single submitter. Criteria: Invitae Variant Classification Sherloc (09022015). Collection method: clinical testing. Allele origin: germline.
Comment: In summary, the available evidence is currently insufficient to determine the role of this variant in disease. Therefore, it has been classified as a Variant of Uncertain Significance. Algorithms developed to predict the effect of missense changes on protein structure and function (SIFT, PolyPhen-2, Align-GVGD) all suggest that this variant is likely to be tolerated. ClinVar contains an entry for this variant (Variation ID: 1051406). This variant has not been reported in the literature in individuals affected with MATR3-related conditions. This variant is not present in population databases (gnomAD no frequency). This sequence change replaces threonine, which is neutral and polar, with serine, which is neutral and polar, at codon 150 of the MATR3 protein (p.Thr150Ser).

NM_018834.6(MATR3):c.449C>G (p.Thr150Ser)

Gene: MATR3 (matrin 3; plus strand). Cytogenetic location: 5q31.2.
Variant type: single nucleotide variant.
Coding change: c.449C>G on transcript NM_018834.6 (MANE Select); coding-DNA position 449, C replaced by G.
Protein change: p.Thr150Ser; replaces threonine 150 with serine.
Molecular consequence: missense variant. On other transcripts: intron variant (2).
Genome position (GRCh38, 1-based): chr5:139,307,864, C>G. VCF-style: chr5-139307864-C-G. GRCh37 (hg19) VCF-style: chr5-138643553-C-G.
Other names: c.449C>G, p.Thr150Ser (NM_001194954.2, NM_001194955.2, NM_199189.3); c.-102-6811C>G (NM_001282278.2); c.49-6811C>G (NM_001194956.2); short protein forms T150S.
Identifiers: ClinVar variation 1051406 (VCV001051406.11), dbSNP rs2151960855, ClinGen allele CA361487291.